The following is an entry in ClinVar:

NM_006914.4(RORB):c.196C>T (p.Arg66Ter)

Gene: RORB (RAR related orphan receptor B; plus strand). Cytogenetic location: 9q21.13.
Variant type: single nucleotide variant.
Coding change: c.196C>T on transcript NM_006914.4 (MANE Select); coding-DNA position 196, C replaced by T.
Protein change: p.Arg66Ter; replaces arginine 66 with a stop codon.
Molecular consequence: nonsense.
Genome position (GRCh38, 1-based): chr9:74,634,733, C>T. VCF-style: chr9-74634733-C-T. GRCh37 (hg19) VCF-style: chr9-77249649-C-T.
Other names: c.229C>T, p.Arg77Ter (NM_001365023.1); short protein forms R66*, R77*.
Identifiers: ClinVar variation 620651 (VCV000620651.5), dbSNP rs1563959514, ClinGen allele CA373772321.

ClinVar aggregate classification (germline): Pathogenic/Likely pathogenic. Review status: criteria provided, multiple submitters, no conflicts (2 of 4 stars). 4 submissions from 4 submitters: Pathogenic (2); Likely pathogenic (1). 1 of the submissions does not count toward it. Last evaluated 2025-07-08.

Conditions:
Epilepsy, idiopathic generalized, susceptibility to, 15 (EIG15). Identifiers: MedGen C5193050, MONDO:0032699, OMIM 618357.
Epilepsy. Also called: Seizure disorder. Identifiers: MedGen C0014544, MeSH D004827, MONDO:0005027.

Submissions (4):

Labcorp Genetics (formerly Invitae), Labcorp
Classification: Pathogenic. Last evaluated: 2025-07-08. Review status: criteria provided, single submitter. Criteria: Invitae Variant Classification Sherloc (09022015). Collection method: clinical testing. Allele origin: germline.
Comment: This sequence change creates a premature translational stop signal (p.Arg66*) in the RORB gene. It is expected to result in an absent or disrupted protein product. Loss-of-function variants in RORB are known to be pathogenic (PMID: 27352968, 32162308, 38165337). This variant is not present in population databases (gnomAD no frequency). This premature translational stop signal has been observed in individual(s) with RORB-related conditions (PMID: 34374989). ClinVar contains an entry for this variant (Variation ID: 620651). For these reasons, this variant has been classified as Pathogenic.

Dubai Health Genomic Medicine Center, Dubai Health
Classification: Likely pathogenic for Epilepsy. Last evaluated: 2024-10-04. Review status: criteria provided, single submitter. Criteria: ACMG Guidelines, 2015. Collection method: research. Allele origin: germline. Affected: yes.
Comment: PVS1,PP1,PM2

GeneDx
Classification: Pathogenic. Last evaluated: 2024-06-05. Review status: criteria provided, single submitter. Criteria: GeneDx Variant Classification Process June 2021. Collection method: clinical testing. Allele origin: germline. Affected: yes.
Comment: Nonsense variant predicted to result in protein truncation or nonsense mediated decay in a gene for which loss of function is a known mechanism of disease; Not observed at significant frequency in large population cohorts (gnomAD); This variant is associated with the following publications: (PMID: 34374989, 27352968)

OMIM
Classification: risk factor for EPILEPSY, IDIOPATHIC GENERALIZED, SUSCEPTIBILITY TO, 15. Last evaluated: 2019-03-14. Review status: no assertion criteria provided. Collection method: literature only. Allele origin: germline. Not counted in ClinVar's aggregate classification.

Literature cited by the submitters: PubMed 27352968 (cited by Labcorp Genetics (formerly Invitae), Labcorp and OMIM); PubMed 32162308 (cited by Labcorp Genetics (formerly Invitae), Labcorp); PubMed 38165337 (cited by Labcorp Genetics (formerly Invitae), Labcorp); PubMed 34374989 (cited by Labcorp Genetics (formerly Invitae), Labcorp).